The following is an entry in ClinVar:

NM_001430.5(EPAS1):c.1892T>G (p.Met631Arg)

Gene: EPAS1 (endothelial PAS domain protein 1; plus strand). Cytogenetic location: 2p21.
Variant type: single nucleotide variant.
Coding change: c.1892T>G on transcript NM_001430.5 (MANE Select); coding-DNA position 1892, T replaced by G.
Protein change: p.Met631Arg; replaces methionine 631 with arginine.
Molecular consequence: missense variant.
Genome position (GRCh38, 1-based): chr2:46,380,564, T>G. VCF-style: chr2-46380564-T-G. GRCh37 (hg19) VCF-style: chr2-46607703-T-G.
Other names: short protein forms M631R.
Identifiers: ClinVar variation 1782097 (VCV001782097.2), dbSNP rs2546477542, ClinGen allele CA346705093.

ClinVar aggregate classification (germline): Uncertain significance (1 of 4 stars; one submission).

Conditions:
Inborn genetic diseases. Identifiers: MedGen C0950123, MeSH D030342.

Submission:

Ambry Genetics
Classification: Uncertain significance for Inborn genetic diseases. Last evaluated: 2021-12-10. Review status: criteria provided, single submitter. Criteria: Ambry Variant Classification Scheme 2023. Collection method: clinical testing. Allele origin: germline.
Comment: The p.M631R variant (also known as c.1892T>G), located in coding exon 12 of the EPAS1 gene, results from a T to G substitution at nucleotide position 1892. The methionine at codon 631 is replaced by arginine, an amino acid with similar properties. This amino acid position is conserved. In addition, the in silico prediction for this alteration is inconclusive. Since supporting evidence is limited at this time, the clinical significance of this alteration remains unclear.